The following is an entry in ClinVar:

ClinVar aggregate classification (germline): Uncertain significance. Review status: criteria provided, multiple submitters, no conflicts (2 of 4 stars). 2 submissions from 2 submitters: Uncertain significance (2). Last evaluated 2025-10-04.

Allele frequency attached by ClinVar (database versions not stated): gnomAD 0.00001; ExAC 0.00005.
gnomAD v4.1: 135 of 1,608,628 alleles (0.0084%); highest among the groups gnomAD compares: Non-Finnish European, 0.0087%; no homozygotes.

Submissions (2):

Labcorp Genetics (formerly Invitae), Labcorp
Classification: Uncertain significance. Last evaluated: 2025-10-04. Review status: criteria provided, single submitter. Criteria: Invitae Variant Classification Sherloc (09022015). Collection method: clinical testing. Allele origin: germline.
Comment: This sequence change replaces arginine, which is basic and polar, with histidine, which is basic and polar, at codon 660 of the ATP4A protein (p.Arg660His). This variant is present in population databases (rs752094325, gnomAD 0.01%). This variant has not been reported in the literature in individuals affected with ATP4A-related conditions. ClinVar contains an entry for this variant (Variation ID: 3131632). An algorithm developed to predict the effect of missense changes on protein structure and function (PolyPhen-2) suggests that this variant is likely to be disruptive. In summary, the available evidence is currently insufficient to determine the role of this variant in disease. Therefore, it has been classified as a Variant of Uncertain Significance.

Ambry Genetics
Classification: Uncertain significance. Last evaluated: 2024-01-30. Review status: criteria provided, single submitter. Criteria: Ambry Variant Classification Scheme 2023. Collection method: clinical testing. Allele origin: germline.

NM_000704.3(ATP4A):c.1979G>A (p.Arg660His)

Gene: ATP4A (ATPase H+/K+ transporting subunit alpha; minus strand). Cytogenetic location: 19q13.12.
Variant type: single nucleotide variant.
Coding change: c.1979G>A on transcript NM_000704.3 (MANE Select); coding-DNA position 1979, G replaced by A.
Protein change: p.Arg660His; replaces arginine 660 with histidine.
Molecular consequence: missense variant.
Genome position (GRCh38, 1-based): chr19:35,555,703, C>T on the plus strand (G>A on the coding strand, the complement: ATP4A is on the minus strand). VCF-style: chr19-35555703-C-T. GRCh37 (hg19) VCF-style: chr19-36046605-C-T.
Other names: short protein forms R660H.
Identifiers: ClinVar variation 3131632 (VCV003131632.2), dbSNP rs752094325, ClinGen allele CA9380931.